The following is an entry in ClinVar:

ClinVar aggregate classification (germline): Benign (1 of 4 stars; one submission).

Submission:

GeneDx
Classification: Benign. Last evaluated: 2018-06-14. Review status: criteria provided, single submitter. Criteria: GeneDx Variant Classification (06012015). Collection method: clinical testing. Allele origin: germline. Affected: yes.
Comment: This variant is considered likely benign or benign based on one or more of the following criteria: it is a conservative change, it occurs at a poorly conserved position in the protein, it is predicted to be benign by multiple in silico algorithms, and/or has population frequency not consistent with disease.

NM_144670.6(A2ML1):c.1833+319_1833+320insTG

Gene: A2ML1 (alpha-2-macroglobulin like 1; plus strand). Cytogenetic location: 12p13.31.
Variant type: Insertion.
Coding change: c.1833+319_1833+320insTG on transcript NM_144670.6 (MANE Select); bases 319 to 320 of the intron after coding-DNA position 1833, TG inserted.
Molecular consequence: intron variant.
Genome position: GRCh38 VCF-style: chr12-8848016-G-GGT. GRCh37 (hg19) VCF-style: chr12-9000612-G-GGT.
Other names: c.360+319_360+320insTG (NM_001282424.3).
Identifiers: ClinVar variation 561886 (VCV000561886.1), dbSNP rs59441350, ClinGen allele CA232682672.